The following is an entry in ClinVar:

NM_052813.5(CARD9):c.464G>A (p.Arg155His)

Gene: CARD9 (caspase recruitment domain family member 9; minus strand). Cytogenetic location: 9q34.3.
Variant type: single nucleotide variant.
Coding change: c.464G>A on transcript NM_052813.5 (MANE Select); coding-DNA position 464, G replaced by A.
Protein change: p.Arg155His; replaces arginine 155 with histidine.
Molecular consequence: missense variant.
Genome position (GRCh38, 1-based): chr9:136,371,004, C>T on the plus strand (G>A on the coding strand, the complement: CARD9 is on the minus strand). VCF-style: chr9-136371004-C-T. GRCh37 (hg19) VCF-style: chr9-139265456-C-T.
Other names: c.464G>A, p.Arg155His (NM_052814.4); short protein forms R155H.
Identifiers: ClinVar variation 1418299 (VCV001418299.5), dbSNP rs145198648, ClinGen allele CA5333128.

ClinVar aggregate classification (germline): Uncertain significance (1 of 4 stars; one submission).

Conditions:
Predisposition to invasive fungal disease due to CARD9 deficiency (IMD103). Also called: IMMUNODEFICIENCY 103, SUSCEPTIBILITY TO FUNGAL INFECTIONS; CARD9 IMMUNODEFICIENCY; Candidiasis, familial, 2, autosomal recessive. Identifiers: Orphanet 457088, MedGen C1859353, MONDO:0008905, OMIM 212050.

Allele frequency attached by ClinVar (database versions not stated): gnomAD 0.00004 and 0.00006; gnomAD exomes 0.00005 and 0.00010; TOPMed 0.00005; ESP Exome Variant Server 0.00008; ExAC 0.00009; 1000 Genomes Project 30x 0.00016; 1000 Genomes Project 0.00020.
gnomAD v4.1: 76 of 1,611,390 alleles (0.0047%); highest among the groups gnomAD compares: East Asian, 0.076%; no homozygotes.

Submission:

Labcorp Genetics (formerly Invitae), Labcorp
Classification: Uncertain significance for Predisposition to invasive fungal disease due to CARD9 deficiency. Last evaluated: 2022-09-01. Review status: criteria provided, single submitter. Criteria: Invitae Variant Classification Sherloc (09022015). Collection method: clinical testing. Allele origin: germline.
Comment: This sequence change replaces arginine, which is basic and polar, with histidine, which is basic and polar, at codon 155 of the CARD9 protein (p.Arg155His). This variant is present in population databases (rs145198648, gnomAD 0.07%). This variant has not been reported in the literature in individuals affected with CARD9-related conditions. ClinVar contains an entry for this variant (Variation ID: 1418299). Algorithms developed to predict the effect of missense changes on protein structure and function (SIFT, PolyPhen-2, Align-GVGD) all suggest that this variant is likely to be tolerated. In summary, the available evidence is currently insufficient to determine the role of this variant in disease. Therefore, it has been classified as a Variant of Uncertain Significance.